The following is an entry in ClinVar:

NM_013275.6(ANKRD11):c.3493A>T (p.Arg1165Trp)

Gene: ANKRD11 (ankyrin repeat domain 11; minus strand). Cytogenetic location: 16q24.3.
Variant type: single nucleotide variant.
Coding change: c.3493A>T on transcript NM_013275.6 (MANE Select); coding-DNA position 3493, A replaced by T.
Protein change: p.Arg1165Trp; replaces arginine 1165 with tryptophan.
Molecular consequence: missense variant.
Genome position (GRCh38, 1-based): chr16:89,283,049, T>A on the plus strand (A>T on the coding strand, the complement: ANKRD11 is on the minus strand). VCF-style: chr16-89283049-T-A. GRCh37 (hg19) VCF-style: chr16-89349457-T-A.
Other names: c.3493A>T, p.Arg1165Trp (NM_001256182.2, NM_001256183.2); short protein forms R1165W.
Identifiers: ClinVar variation 2871789 (VCV002871789.3), dbSNP rs985837806, ClinGen allele CA286518073.
Genomic context (GRCh38, chr16:89,283,049, plus strand): 5'-TCCTGTCTCTGGGCTCCTTGTCCTTCTGCCTCTCAGGGTGCTGCTTGTCAGAAGACTTCC[T>A]GTGTCTGTCGGAGGCATAGGCCTCCCGTCCTTCCTCCTTCTCCTGGAGGCCGTCCGTCCT-3'
Protein context (NP_037407.4, residues 1155-1175): GREAYASDRH[Arg1165Trp]KSSDKQHPER

ClinVar aggregate classification (germline): Uncertain significance (1 of 4 stars; one submission).

Conditions:
KBG syndrome (KBGS). Also called: ANKRD11-Related KBG Syndrome. Identifiers: Orphanet 2332, MedGen C0220687, MONDO:0007846, OMIM 148050.

Allele frequency attached by ClinVar (database versions not stated): TOPMed 0.00001.

Submission:

Labcorp Genetics (formerly Invitae), Labcorp
Classification: Uncertain significance for KBG syndrome. Last evaluated: 2025-03-05. Review status: criteria provided, single submitter. Criteria: Invitae Variant Classification Sherloc (09022015). Collection method: clinical testing. Allele origin: germline.
Comment: This sequence change replaces arginine, which is basic and polar, with tryptophan, which is neutral and slightly polar, at codon 1165 of the ANKRD11 protein (p.Arg1165Trp). This variant is not present in population databases (gnomAD no frequency). This variant has not been reported in the literature in individuals affected with ANKRD11-related conditions. ClinVar contains an entry for this variant (Variation ID: 2871789). Invitae Evidence Modeling of protein sequence and biophysical properties (such as structural, functional, and spatial information, amino acid conservation, physicochemical variation, residue mobility, and thermodynamic stability) indicates that this missense variant is not expected to disrupt ANKRD11 protein function with a negative predictive value of 95%. In summary, the available evidence is currently insufficient to determine the role of this variant in disease. Therefore, it has been classified as a Variant of Uncertain Significance.